The following is an entry in ClinVar:

ClinVar aggregate classification (germline): Pathogenic (1 of 4 stars; one submission).

Conditions:
Duchenne muscular dystrophy (DMD). Also called: Duchenne Muscular Dystrophy (DMD); MUSCULAR DYSTROPHY, PSEUDOHYPERTROPHIC PROGRESSIVE, DUCHENNE TYPE. Identifiers: Orphanet 98896, MedGen C0013264, MONDO:0010679, OMIM 310200.

Submission:

Labcorp Genetics (formerly Invitae), Labcorp
Classification: Pathogenic for Duchenne muscular dystrophy. Last evaluated: 2022-02-24. Review status: criteria provided, single submitter. Criteria: Invitae Variant Classification Sherloc (09022015). Collection method: clinical testing. Allele origin: germline.
Comment: For these reasons, this variant has been classified as Pathogenic. The region of the DMD gene that includes exon(s) 5 has been determined to be clinically significant (PMID: 12920092, 24292997, 26745801). Therefore, deletions that encompass that region are likely to be disease-causing. A similar copy number variant has been observed in individual(s) with Duchenne muscular dystrophy (Invitae). This variant is a gross deletion of the genomic region encompassing exon(s) 5-25 of the DMD gene. This variant would be expected to be in-frame, preserving the integrity of the reading frame.

Literature cited by the submitters: PubMed 12920092; PubMed 24292997; PubMed 26745801.

NC_000023.10:g.(?_32481536)_(32841524_?)del

Gene: DMD (dystrophin; minus strand). Cytogenetic location: Xp21.1.
Variant type: Deletion.
Identifiers: ClinVar variation 1458280 (VCV001458280.8).